The following is an entry in ClinVar:

ClinVar aggregate classification (germline): Conflicting classifications of pathogenicity. Review status: criteria provided, conflicting classifications (1 of 4 stars). 5 submissions from 5 submitters: Likely pathogenic (1); Uncertain significance (3). 1 of the submissions does not count toward it. Last evaluated 2025-09-10.

Conditions:
Congenital myasthenic syndrome (CMS). Also called: Congenital Myasthenic Syndromes. Identifiers: Orphanet 590, MedGen C0751882, MeSH D020294, MONDO:0018940.
Congenital myasthenic syndrome 12 (CMS12). Also called: Myasthenia, congenital, 12, with tubular aggregates; MYASTHENIC SYNDROME, CONGENITAL, WITH TUBULAR AGGREGATES 1. Identifiers: Orphanet 353327, Orphanet 590, MedGen C3552335, MONDO:0012518, OMIM 610542.
Congenital myasthenic syndrome 13 (CMS13). Also called: Myasthenic syndrome, congenital, with tubular aggregates 2; Myasthenic syndrome, congenital, 13, with tubular aggregates. Identifiers: Orphanet 353327, Orphanet 590, MedGen C3553645, MONDO:0013883, OMIM 614750.

Allele frequency attached by ClinVar (database versions not stated): gnomAD exomes below 0.00001 and 0.00001; TOPMed 0.00002.
gnomAD v4.1: 16 of 1,605,246 alleles (0.001%); highest among the groups gnomAD compares: South Asian, 0.0022%; no homozygotes.

Submissions (5):

Genomic Medicine Center of Excellence, King Faisal Specialist Hospital and Research Centre
Classification: Likely pathogenic for Congenital myasthenic syndrome 13. Last evaluated: 2025-09-10. Review status: criteria provided, single submitter. Criteria: ACMG Guidelines, 2015. Collection method: clinical testing. Allele origin: germline.

Labcorp Genetics (formerly Invitae), Labcorp
Classification: Uncertain significance for Congenital myasthenic syndrome 12. Last evaluated: 2024-08-12. Review status: criteria provided, single submitter. Criteria: Invitae Variant Classification Sherloc (09022015). Collection method: clinical testing. Allele origin: germline.
Comment: This sequence change replaces arginine, which is basic and polar, with tryptophan, which is neutral and slightly polar, at codon 530 of the GFPT1 protein (p.Arg530Trp). This variant is present in population databases (no rsID available, gnomAD 0.007%). This missense change has been observed in individual(s) with congenital myasthenic syndrome (PMID: 21310273). This variant is also known as c.1534C>T (p.Arg512Trp). ClinVar contains an entry for this variant (Variation ID: 1301986). Advanced modeling of protein sequence and biophysical properties (such as structural, functional, and spatial information, amino acid conservation, physicochemical variation, residue mobility, and thermodynamic stability) performed at Invitae indicates that this missense variant is not expected to disrupt GFPT1 protein function with a negative predictive value of 80%. In summary, the available evidence is currently insufficient to determine the role of this variant in disease. Therefore, it has been classified as a Variant of Uncertain Significance.

Blueprint Genetics
Classification: Uncertain significance. Last evaluated: 2022-12-01. Review status: criteria provided, single submitter. Criteria: ACMG Guidelines, 2015. Collection method: clinical testing. Allele origin: germline.

GeneDx
Classification: Uncertain significance. Last evaluated: 2019-11-29. Review status: criteria provided, single submitter. Criteria: GeneDx Variant Classification Process June 2021. Collection method: clinical testing. Allele origin: germline. Affected: yes.
Comment: Not observed at a significant frequency in large population cohorts (Lek et al., 2016); The majority of missense variants in this gene are considered pathogenic (Stenson et al., 2014); In silico analysis, which includes protein predictors and evolutionary conservation, supports a deleterious effect; This variant is associated with the following publications: (PMID: 21310273, 29054425, 21975507)

Neurology Laboratory, The First Affiliated Hospital of Nanchang University
Classification: Pathogenic for Congenital myasthenic syndrome. Last evaluated: 2021-08-22. Review status: no assertion criteria provided. Collection method: research. Allele origin: inherited. Inheritance: Autosomal recessive inheritance. Observed: 1 compound heterozygote. Not counted in ClinVar's aggregate classification.
Comment: The Arg512Trp variant in GFPT1 has been reported in 1 Spain and 1 Senegal families with autosomal recessive inheritance, segregated with the disease in several affected relatives (Natera-de Benito et al., 2017; Senderek et al., 2011), and was absent from large population studies. Allele frequency of gnomAD Database is only 0.000003978.Additionally, in vitro functional study indicates that the Arg512Trp variant reduces the level of GFPT1 and O-GlcNAcylation (Senderek et al., 2011). In summary, the Arg512Trp variant meets our criteria to be classified as pathogenic based upon low frequency variation, absence from controls, and functional evidence.

Literature cited by the submitters: PubMed 21310273 (cited by Labcorp Genetics (formerly Invitae), Labcorp); DOI 10.1016/j.ajhg.2011.01.008 (cited by Neurology Laboratory, The First Affiliated Hospital of Nanchang University); DOI 10.1016/j.nmd.2017.08.003 (cited by Neurology Laboratory, The First Affiliated Hospital of Nanchang University).

NM_001244710.2(GFPT1):c.1588C>T (p.Arg530Trp)

Gene: GFPT1 (glutamine--fructose-6-phosphate transaminase 1; minus strand). Cytogenetic location: 2p13.3.
Variant type: single nucleotide variant.
Coding change: c.1588C>T on transcript NM_001244710.2 (MANE Select); coding-DNA position 1588, C replaced by T.
Protein change: p.Arg530Trp; replaces arginine 530 with tryptophan.
Molecular consequence: missense variant.
Genome position (GRCh38, 1-based): chr2:69,329,693, G>A on the plus strand (C>T on the coding strand, the complement: GFPT1 is on the minus strand). VCF-style: chr2-69329693-G-A. GRCh37 (hg19) VCF-style: chr2-69556825-G-A.
Other names: c.1534C>T, p.Arg512Trp (NM_002056.4); short protein forms R512W, R530W.
Identifiers: ClinVar variation 1301986 (VCV001301986.8), dbSNP rs1024585946, ClinGen allele CA49447681.
Genomic context (GRCh38, chr2:69,329,693, plus strand): 5'-ATTACCCACTCCCTTAGACAACAAAAGTGTAATATATGAGTGTCTTTGTACCAGGCAGCC[G>A]TTTCAATCCAAGCATGATCTCTTTGCGTCTTTCTTGCATGGAGATCCGATCATCACACAT-3'
Protein context (NP_001231639.1, residues 520-540): RRKEIMLGLK[Arg530Trp]LPDLIKEVLS